The following is an entry in ClinVar:

ClinVar aggregate classification (germline): Uncertain significance (1 of 4 stars; one submission).

Conditions:
Muscular dystrophy-dystroglycanopathy type B6 (MDDGB6). Also called: MUSCULAR DYSTROPHY-DYSTROGLYCANOPATHY (CONGENITAL WITH IMPAIRED INTELLECTUAL DEVELOPMENT), TYPE B, 6; MUSCULAR DYSTROPHY, CONGENITAL, LARGE-RELATED; MUSCULAR DYSTROPHY, CONGENITAL, TYPE 1D. Identifiers: MedGen C1837229, MONDO:0012138, OMIM 608840.

Submission:

Labcorp Genetics (formerly Invitae), Labcorp
Classification: Uncertain significance for Muscular dystrophy-dystroglycanopathy type B6. Last evaluated: 2022-05-09. Review status: criteria provided, single submitter. Criteria: Invitae Variant Classification Sherloc (09022015). Collection method: clinical testing. Allele origin: germline.
Comment: This variant has not been reported in the literature in individuals affected with LARGE1-related conditions. Algorithms developed to predict the effect of missense changes on protein structure and function (SIFT, PolyPhen-2, Align-GVGD) all suggest that this variant is likely to be tolerated. In summary, the available evidence is currently insufficient to determine the role of this variant in disease. Therefore, it has been classified as a Variant of Uncertain Significance. This sequence change replaces valine, which is neutral and non-polar, with isoleucine, which is neutral and non-polar, at codon 453 of the LARGE1 protein (p.Val453Ile). This variant is not present in population databases (gnomAD no frequency).

NM_133642.5(LARGE1):c.1357G>A (p.Val453Ile)

Gene: LARGE1 (LARGE xylosyl- and glucuronyltransferase 1; minus strand). Cytogenetic location: 22q12.3.
Variant type: single nucleotide variant.
Coding change: c.1357G>A on transcript NM_133642.5 (MANE Select); coding-DNA position 1357, G replaced by A.
Protein change: p.Val453Ile; replaces valine 453 with isoleucine.
Molecular consequence: missense variant.
Genome position (GRCh38, 1-based): chr22:33,316,179, C>T on the plus strand (G>A on the coding strand, the complement: LARGE1 is on the minus strand). VCF-style: chr22-33316179-C-T. GRCh37 (hg19) VCF-style: chr22-33712165-C-T.
Other names: c.1357G>A, p.Val453Ile (NM_001362949.2, NM_001362951.2, NM_001362953.2 and 6 more transcripts); c.1201G>A, p.Val401Ile (NM_001378629.1); c.754G>A, p.Val252Ile (NM_001378630.1); c.598G>A, p.Val200Ile (NM_001378631.1); short protein forms V401I, V252I, V200I, V453I.
Identifiers: ClinVar variation 1946974 (VCV001946974.5), dbSNP rs2546685793, ClinGen allele CA411541059.